The following is an entry in ClinVar:

ClinVar aggregate classification (germline): Uncertain significance (1 of 4 stars; one submission).

Conditions:
Atrial fibrillation, familial, 11 (ATFB11). Identifiers: MedGen C3279693, MONDO:0013544, OMIM 614049.
Atrial standstill 1 (ATRST1). Also called: ATRIAL CARDIOMYOPATHY WITH HEART BLOCK; Atrial standstill, digenic (GJA5/SCN5A); CARDIOMYOPATHY, FAMILIAL, WITH CONDUCTION DISTURBANCE. Identifiers: Orphanet 1344, MedGen C4551959, MONDO:0007171, OMIM 108770.

Submission:

Labcorp Genetics (formerly Invitae), Labcorp
Classification: Uncertain significance for Atrial fibrillation, familial, 11; Atrial standstill 1. Last evaluated: 2021-10-19. Review status: criteria provided, single submitter. Criteria: Invitae Variant Classification Sherloc (09022015). Collection method: clinical testing. Allele origin: germline.
Comment: In summary, the available evidence is currently insufficient to determine the role of this variant in disease. Therefore, it has been classified as a Variant of Uncertain Significance. Experimental studies and prediction algorithms are not available or were not evaluated, and the functional significance of this variant is currently unknown. This variant has not been reported in the literature in individuals affected with GJA5-related conditions. This variant is not present in population databases (ExAC no frequency). This sequence change creates a premature translational stop signal (p.Gln243*) in the GJA5 gene. While this is not anticipated to result in nonsense mediated decay, it is expected to disrupt the last 116 amino acid(s) of the GJA5 protein.

NM_181703.4(GJA5):c.727C>T (p.Gln243Ter)

Genes: GJA5 (gap junction protein alpha 5; minus strand), LOC122128420 (Sharpr-MPRA regulatory region 3144; plus strand). Cytogenetic location: 1q21.2.
Variant type: single nucleotide variant.
Coding change: c.727C>T on transcript NM_181703.4 (MANE Select); coding-DNA position 727, C replaced by T.
Protein change: p.Gln243Ter; replaces glutamine 243 with a stop codon.
Molecular consequence: nonsense.
Genome position (GRCh38, 1-based): chr1:147,758,512, G>A on the plus strand (C>T on the coding strand, the complement: GJA5 is on the minus strand). VCF-style: chr1-147758512-G-A. GRCh37 (hg19) VCF-style: chr1-147230620-G-A.
Other names: c.727C>T, p.Gln243Ter (NM_005266.7); short protein forms Q243*.
Identifiers: ClinVar variation 1410268 (VCV001410268.6), dbSNP rs2148958988, ClinGen allele CA342394909.
Genomic context (GRCh38, chr1:147,758,512, plus strand): 5'-GTGTGCAGCTCTGGACTATGCCCACAGAGGGGCCAGAAAGCTGGCACTTAGCCATGTGCT[G>A]CCGCGGTTTGACAAATCGCTGTCTGATCTTCTTCCAGCCCAGGTGGTAGAGTTCAGCCAG-3'